The following is an entry in ClinVar:

NM_020975.6(RET):c.449T>C (p.Phe150Ser)

Gene: RET (ret proto-oncogene; plus strand). Cytogenetic location: 10q11.21.
Variant type: single nucleotide variant.
Coding change: c.449T>C on transcript NM_020975.6 (MANE Select); coding-DNA position 449, T replaced by C.
Protein change: p.Phe150Ser; replaces phenylalanine 150 with serine.
Molecular consequence: missense variant. On other transcripts: intron variant (22).
Genome position (GRCh38, 1-based): chr10:43,102,453, T>C. VCF-style: chr10-43102453-T-C. GRCh37 (hg19) VCF-style: chr10-43597901-T-C.
Other names: c.449T>C, p.Phe150Ser (NM_001406743.1, NM_001406744.1, NM_001406759.1 and 14 more transcripts); c.337+1731T>C (NM_001406790.1, NM_001406788.1, NM_001406789.1 and 8 more transcripts); c.74-6578T>C (NM_001406784.1); c.74-9646T>C (NM_001406794.1, NM_001406792.1, NM_001406793.1); c.338-18T>C (NM_001406764.1, NM_001406762.1, NM_001406761.1 and 4 more transcripts); short protein forms F150S.
Identifiers: ClinVar variation 5028170 (VCV005028170.1).

ClinVar aggregate classification (germline): Uncertain significance (1 of 4 stars; one submission).

Conditions:
Hereditary cancer-predisposing syndrome. Also called: Neoplastic Syndromes, Hereditary; Tumor predisposition; Hereditary neoplastic syndrome; Hereditary Cancer Syndrome. Identifiers: Orphanet 140162, MedGen C0027672, MeSH D009386, MONDO:0015356.

gnomAD v4.1: 1 of 1,614,236 alleles (0.000062%); highest among the groups gnomAD compares: South Asian, 0.0011%; no homozygotes.

Submission:

Ambry Genetics
Classification: Uncertain significance for Hereditary cancer-predisposing syndrome. Last evaluated: 2026-07-06. Review status: criteria provided, single submitter. Criteria: Ambry Variant Classification Scheme 2023. Collection method: clinical testing. Allele origin: germline.
Comment: The p.F150S variant (also known as c.449T>C), located in coding exon 3 of the RET gene, results from a T to C substitution at nucleotide position 449. The phenylalanine at codon 150 is replaced by serine, an amino acid with highly dissimilar properties. This amino acid position is conserved. In addition, this alteration is predicted to be tolerated by in silico analysis. Based on the available evidence, the clinical significance of this variant remains unclear.